The following is an entry in ClinVar:

NM_007294.4(BRCA1):c.222A>T (p.Gln74His)

Gene: BRCA1 (BRCA1 DNA repair associated; minus strand). Cytogenetic location: 17q21.31.
Variant type: single nucleotide variant.
Coding change: c.222A>T on transcript NM_007294.4 (MANE Select); coding-DNA position 222, A replaced by T.
Protein change: p.Gln74His; replaces glutamine 74 with histidine.
Molecular consequence: missense variant. On other transcripts: non-coding transcript variant (1).
Genome position (GRCh38, 1-based): chr17:43,104,947, T>A on the plus strand (A>T on the coding strand, the complement: BRCA1 is on the minus strand). VCF-style: chr17-43104947-T-A. GRCh37 (hg19) VCF-style: chr17-41256964-T-A.
Other names: c.-160A>T (NM_001407965.1, NM_001407959.1, NM_001407960.1 and 4 more transcripts); c.222A>T, p.Gln74His (NM_001407968.1, NM_001407969.1, NM_001407970.1 and 168 more transcripts); c.144A>T, p.Gln48His (NM_001408409.1, NM_001408411.1, NM_001408412.1 and 21 more transcripts); c.81A>T, p.Gln27His (NM_001408410.1, NM_001408452.1, NM_001408453.1 and 99 more transcripts); c.90A>T, p.Gln30His (NM_001408451.1); c.12A>T, p.Gln4His (NM_001408478.1, NM_001408479.1, NM_001408480.1 and 58 more transcripts); short protein forms Q27H, Q74H, Q30H, Q48H, Q4H.
Identifiers: ClinVar variation 867355 (VCV000867355.3), dbSNP rs730881465, ClinGen allele CA10601719.

Conditions:
Breast-ovarian cancer, familial, susceptibility to, 1 (BROVCA1). Also called: BRCA1 Hereditary Breast and Ovarian Cancer; OVARIAN CANCER, SUSCEPTIBILITY TO. Identifiers: Orphanet 145, MedGen C2676676, MONDO:0011450, OMIM 604370. Disease mechanism: loss of function.

Submission:

Brotman Baty Institute, University of Washington
No classification provided (evidence only). Condition: Breast-ovarian cancer, familial 1. Review status: no classification provided. Collection method: in vitro. Allele origin: not applicable. Functional consequence: functionally_normal.
ClinVar note: "not provided" was previously submitted as the classification for the variant. However, the classification appeared to be based only on an observation of functional data so it was converted to no classification on 2025-07-30.